The following is an entry in ClinVar:

ClinVar aggregate classification (germline): Benign/Likely benign. Review status: criteria provided, multiple submitters, no conflicts (2 of 4 stars). 8 submissions from 8 submitters: Benign (4); Likely benign (2). 2 of the submissions do not count toward it. Last evaluated 2026-02-03.

Conditions:
Primary ciliary dyskinesia. Also called: Ciliary dyskinesia. Identifiers: Orphanet 244, MedGen C0008780, MONDO:0016575, HP:0012265.
Primary ciliary dyskinesia 3. Identifiers: Orphanet 244, MedGen C1837618, MONDO:0012085, OMIM 608644.

Allele frequency attached by ClinVar (database versions not stated): 1000 Genomes Project 0.00679; 1000 Genomes Project 30x 0.00750; ESP Exome Variant Server 0.00801; TOPMed 0.00839.
gnomAD v4.1: 2,231 of 1,458,378 alleles (0.15%); highest among the groups gnomAD compares: African/African-American, 2.8%; 29 homozygotes.

Submissions (8):

Labcorp Genetics (formerly Invitae), Labcorp
Classification: Benign for Primary ciliary dyskinesia. Last evaluated: 2026-02-03. Review status: criteria provided, single submitter. Criteria: Invitae Variant Classification Sherloc (09022015). Collection method: clinical testing. Allele origin: germline.

Mayo Clinic Laboratories, Mayo Clinic
Classification: Benign. Last evaluated: 2025-01-14. Review status: criteria provided, single submitter. Criteria: ACMG Guidelines, 2015. Collection method: clinical testing. Allele origin: germline. Observed: 1 variant allele.
Comment: BS1, BS2, BP4, BP7

Blueprint Genetics
Classification: Likely benign. Last evaluated: 2024-11-26. Review status: criteria provided, single submitter. Criteria: ACMG Guidelines, 2015. Collection method: clinical testing. Allele origin: germline.

GeneDx
Classification: Likely benign. Last evaluated: 2020-11-08. Review status: criteria provided, single submitter. Criteria: GeneDx Variant Classification Process June 2021. Collection method: clinical testing. Allele origin: germline. Affected: yes.

Illumina Laboratory Services, Illumina
Classification: Benign for Primary ciliary dyskinesia 3. Last evaluated: 2017-04-27. Review status: criteria provided, single submitter. Criteria: ICSL Variant Classification Criteria 13 December 2019. Collection method: clinical testing. Allele origin: germline.
Comment: This variant was observed as part of a predisposition screen in an ostensibly healthy population. A literature search was performed for the gene, cDNA change, and amino acid change (where applicable). No publications were found based on this search. Allele frequency data from public databases was too high to be consistent with this variant causing disease. Therefore, this variant is classified as benign.

PreventionGenetics, part of Exact Sciences
Classification: Benign. Review status: criteria provided, single submitter. Criteria: ACMG Guidelines, 2015. Collection method: clinical testing. Allele origin: germline.

Natera, Inc.
Classification: Likely benign for Primary ciliary dyskinesia. Last evaluated: 2019-12-06. Review status: no assertion criteria provided. Collection method: clinical testing. Allele origin: germline. Not counted in ClinVar's aggregate classification.

Counsyl
Classification: Likely benign for Primary ciliary dyskinesia 3. Last evaluated: 2017-03-24. Review status: no assertion criteria provided. Collection method: clinical testing. Allele origin: unknown. Not counted in ClinVar's aggregate classification.

NM_001369.3(DNAH5):c.1090-8T>C

Gene: DNAH5 (dynein axonemal heavy chain 5; minus strand). Cytogenetic location: 5p15.2.
Variant type: single nucleotide variant.
Coding change: c.1090-8T>C on transcript NM_001369.3 (MANE Select); 8 bases into the intron before coding-DNA position 1090, T replaced by C.
Molecular consequence: intron variant.
Genome position (GRCh38, 1-based): chr5:13,916,463, A>G on the plus strand (T>C on the coding strand, the complement: DNAH5 is on the minus strand). VCF-style: chr5-13916463-A-G. GRCh37 (hg19) VCF-style: chr5-13916572-A-G.
Other names: p.?.
Identifiers: ClinVar variation 238955 (VCV000238955.26), dbSNP rs16902950, ClinGen allele CA3204955.